The following is an entry in ClinVar:

NM_014140.4(SMARCAL1):c.2418G>A (p.Trp806Ter)

Gene: SMARCAL1 (SNF2 related chromatin remodeling annealing helicase 1; plus strand). Cytogenetic location: 2q35.
Variant type: single nucleotide variant.
Coding change: c.2418G>A on transcript NM_014140.4 (MANE Select); coding-DNA position 2418, G replaced by A.
Protein change: p.Trp806Ter; replaces tryptophan 806 with a stop codon.
Molecular consequence: nonsense.
Genome position (GRCh38, 1-based): chr2:216,475,442, G>A. VCF-style: chr2-216475442-G-A. GRCh37 (hg19) VCF-style: chr2-217340165-G-A.
Other names: c.2418G>A, p.Trp806Ter (NM_001127207.2); short protein forms W806*.
Identifiers: ClinVar variation 4815603 (VCV004815603.1).

ClinVar aggregate classification (germline): Likely pathogenic (1 of 4 stars; one submission).

Conditions:
Schimke immuno-osseous dysplasia (SIOD). Also called: Schimke Immunoosseous Dysplasia. Identifiers: Orphanet 1830, MedGen C0877024, MONDO:0009458, OMIM 242900.

gnomAD v4.1: 1 of 1,614,200 alleles (0.000062%); highest among the groups gnomAD compares: African/African-American, 0.0013%; no homozygotes.

Submission:

Natera, Inc.
Classification: Likely pathogenic for Schimke immuno-osseous dysplasia. Last evaluated: 2024-05-30. Review status: criteria provided, single submitter. Criteria: Natera Variant Classification Schema (03/2026). Collection method: clinical testing. Allele origin: germline.
Comment: The c.2418G>A variant in SMARCAL1 is a nonsense variant predicted to introduce a stop codon at amino acid 806. This variant is expected to result in nonsense mediated decay, truncation, or a dysfunctional protein product. This variant is rare in the general population with a frequency below the threshold expected for the associated phenotype(s). Given the available evidence, this variant is classified as Likely Pathogenic.